The following is an entry in ClinVar:

ClinVar aggregate classification (germline): Uncertain significance. Review status: criteria provided, multiple submitters, no conflicts (2 of 4 stars). 3 submissions from 3 submitters: Uncertain significance (3). Last evaluated 2025-02-27.

Conditions:
Inborn genetic diseases. Identifiers: MedGen C0950123, MeSH D030342.

Allele frequency attached by ClinVar (database versions not stated): gnomAD 0.00015 and 0.00017; TOPMed 0.00018; gnomAD exomes 0.00024; 1000 Genomes Project 30x 0.00031; ESP Exome Variant Server 0.00031; 1000 Genomes Project 0.00040; ExAC 0.00060.
gnomAD v4.1: 534 of 1,575,640 alleles (0.034%); highest among the groups gnomAD compares: South Asian, 0.052%; no homozygotes.

Submissions (3):

Ambry Genetics
Classification: Uncertain significance for Inborn genetic diseases. Last evaluated: 2025-02-27. Review status: criteria provided, single submitter. Criteria: Ambry Variant Classification Scheme 2023. Collection method: clinical testing. Allele origin: germline.

Blueprint Genetics
Classification: Uncertain significance. Last evaluated: 2024-09-17. Review status: criteria provided, single submitter. Criteria: ACMG Guidelines, 2015. Collection method: clinical testing. Allele origin: germline.

Labcorp Genetics (formerly Invitae), Labcorp
Classification: Uncertain significance. Last evaluated: 2022-10-25. Review status: criteria provided, single submitter. Criteria: Invitae Variant Classification Sherloc (09022015). Collection method: clinical testing. Allele origin: germline.
Comment: This sequence change replaces arginine, which is basic and polar, with histidine, which is basic and polar, at codon 1006 of the ARHGEF18 protein (p.Arg1006His). This variant is present in population databases (rs201204829, gnomAD 0.06%). This variant has not been reported in the literature in individuals affected with ARHGEF18-related conditions. ClinVar contains an entry for this variant (Variation ID: 840201). Algorithms developed to predict the effect of missense changes on protein structure and function output the following: SIFT: "Deleterious"; PolyPhen-2: "Benign"; Align-GVGD: "Class C25". The histidine amino acid residue is found in multiple mammalian species, which suggests that this missense change does not adversely affect protein function. In summary, the available evidence is currently insufficient to determine the role of this variant in disease. Therefore, it has been classified as a Variant of Uncertain Significance.

NM_001367823.1(ARHGEF18):c.3581G>A (p.Arg1194His)

Gene: ARHGEF18 (Rho/Rac guanine nucleotide exchange factor 18; plus strand). Cytogenetic location: 19p13.2.
Variant type: single nucleotide variant.
Coding change: c.3581G>A on transcript NM_001367823.1 (MANE Select); coding-DNA position 3581, G replaced by A.
Protein change: p.Arg1194His; replaces arginine 1194 with histidine.
Molecular consequence: missense variant.
Genome position (GRCh38, 1-based): chr19:7,468,925, G>A. VCF-style: chr19-7468925-G-A. GRCh37 (hg19) VCF-style: chr19-7533811-G-A.
Other names: c.2855G>A, p.Arg952His (NM_001130955.2); c.2543G>A, p.Arg848His (NM_001367824.1, NM_015318.4); short protein forms R952H, R1194H, R848H.
Identifiers: ClinVar variation 840201 (VCV000840201.8), dbSNP rs201204829, ClinGen allele CA9137177.